The following is an entry in ClinVar:

NM_006218.4(PIK3CA):c.221C>T (p.Thr74Ile)

Gene: PIK3CA (phosphatidylinositol-4,5-bisphosphate 3-kinase catalytic subunit alpha; plus strand). Cytogenetic location: 3q26.32.
Variant type: single nucleotide variant.
Coding change: c.221C>T on transcript NM_006218.4 (MANE Select); coding-DNA position 221, C replaced by T.
Protein change: p.Thr74Ile; replaces threonine 74 with isoleucine.
Molecular consequence: missense variant.
Genome position (GRCh38, 1-based): chr3:179,199,046, C>T. VCF-style: chr3-179199046-C-T. GRCh37 (hg19) VCF-style: chr3-178916834-C-T.
Other names: short protein forms T74I.
Identifiers: ClinVar variation 3932410 (VCV003932410.1).

ClinVar aggregate classification (germline): Uncertain significance (1 of 4 stars; one submission).

Conditions:
Inborn genetic diseases. Identifiers: MedGen C0950123, MeSH D030342.

gnomAD v4.1: 2 of 1,613,678 alleles (0.00012%); highest among the groups gnomAD compares: African/African-American, 0.0013%; no homozygotes.

Submission:

Ambry Genetics
Classification: Uncertain significance for Inborn genetic diseases. Last evaluated: 2025-05-25. Review status: criteria provided, single submitter. Criteria: Ambry Variant Classification Scheme 2023. Collection method: clinical testing. Allele origin: germline.
Comment: The p.T74I variant (also known as c.221C>T), located in coding exon 1 of the PIK3CA gene, results from a C to T substitution at nucleotide position 221. The threonine at codon 74 is replaced by isoleucine, an amino acid with similar properties. This amino acid position is conserved. In addition, the in silico prediction for this alteration is inconclusive. Based on the available evidence, the clinical significance of this variant remains unclear.